The following is an entry in ClinVar:

ClinVar aggregate classification (germline): Uncertain significance. Review status: reviewed by expert panel (3 of 4 stars). 3 submissions from 3 submitters: Uncertain significance (1). 2 of the submissions do not count toward it. Last evaluated 2019-07-26.

Conditions:
Inborn genetic diseases. Identifiers: MedGen C0950123, MeSH D030342.
Hereditary thrombocytopenia and hematological cancer predisposition syndrome associated with RUNX1. Also called: Familial Platelet Disorder with Propensity to Acute Myelogenous Leukemia; Familial thrombocytopenia with propensity to acute myelogenous leukemia; RUNX1 Familial Platelet Disorder with Associated Myeloid Malignancies; PLATELET DISORDER, ASPIRIN-LIKE. Identifiers: Orphanet 71290, MedGen C1832388, MeSH C563324, MONDO:0100083, OMIM 601399.

Allele frequency attached by ClinVar (database versions not stated): gnomAD exomes below 0.00001.
gnomAD v4.1: 1 of 1,613,392 alleles (0.000062%); highest among the groups gnomAD compares: Non-Finnish European, 0.000085%; no homozygotes.

Submissions (3):

ClinGen Myeloid Malignancy Variant Curation Expert Panel
Classification: Uncertain significance for Familial platelet disorder with associated myeloid malignancy. Last evaluated: 2019-07-26. Review status: reviewed by expert panel. Criteria: ClinGen MyeloMalig ACMG Specifications v1. Collection method: curation. Allele origin: germline. Inheritance: Autosomal dominant inheritance.
Comment: The NM_001754.4:c.331A>G (p.Thr111Ala) variant affects one of the residues (AA 105-204) within the RHD (PM1_Supporting). This variant is completely absent from all population databases with at least 20x coverage for RUNX1 (PM2). This missense variant has a REVEL score >0.75 (0.939) (PP3). In summary, the clinical significance of this variant is uncertain (VUS). ACMG/AMP criteria applied, as specified by the ClinGen Myeloid Malignancy Variant Curation Expert Panel for RUNX1: PM2, PP3, PM1_supporting.

Ambry Genetics
Classification: Uncertain significance for Inborn genetic diseases. Last evaluated: 2025-02-07. Review status: criteria provided, single submitter. Criteria: Ambry Variant Classification Scheme 2023. Collection method: clinical testing. Allele origin: germline. Not counted in ClinVar's aggregate classification.
Comment: The p.T111A variant (also known as c.331A>G), located in coding exon 3 of the RUNX1 gene, results from an A to G substitution at nucleotide position 331. The threonine at codon 111 is replaced by alanine, an amino acid with similar properties. This amino acid position is highly conserved in available vertebrate species. In addition, this alteration is predicted to be deleterious by in silico analysis. Based on the available evidence, the clinical significance of this variant remains unclear.

Labcorp Genetics (formerly Invitae), Labcorp
Classification: Uncertain significance for Hereditary thrombocytopenia and hematological cancer predisposition syndrome associated with RUNX1. Last evaluated: 2022-10-27. Review status: criteria provided, single submitter. Criteria: Invitae Variant Classification Sherloc (09022015). Collection method: clinical testing. Allele origin: germline. Not counted in ClinVar's aggregate classification.
Comment: In summary, the available evidence is currently insufficient to determine the role of this variant in disease. Therefore, it has been classified as a Variant of Uncertain Significance. Advanced modeling of protein sequence and biophysical properties (such as structural, functional, and spatial information, amino acid conservation, physicochemical variation, residue mobility, and thermodynamic stability) has been performed at Invitae for this missense variant, however the output from this modeling did not meet the statistical confidence thresholds required to predict the impact of this variant on RUNX1 protein function. ClinVar contains an entry for this variant (Variation ID: 532671). This variant has not been reported in the literature in individuals affected with RUNX1-related conditions. This variant is not present in population databases (gnomAD no frequency). This sequence change replaces threonine, which is neutral and polar, with alanine, which is neutral and non-polar, at codon 111 of the RUNX1 protein (p.Thr111Ala).

Literature cited by the submitters: PubMed 31648317 (cited by Ambry Genetics).

NM_001754.5(RUNX1):c.331A>G (p.Thr111Ala)

Gene: RUNX1 (RUNX family transcription factor 1; minus strand). Cytogenetic location: 21q22.12.
Variant type: single nucleotide variant.
Coding change: c.331A>G on transcript NM_001754.5 (MANE Select); coding-DNA position 331, A replaced by G.
Protein change: p.Thr111Ala; replaces threonine 111 with alanine.
Molecular consequence: missense variant.
Genome position (GRCh38, 1-based): chr21:34,886,863, T>C on the plus strand (A>G on the coding strand, the complement: RUNX1 is on the minus strand). VCF-style: chr21-34886863-T-C. GRCh37 (hg19) VCF-style: chr21-36259160-T-C.
Other names: NM_001754.4(RUNX1):c.331A>G; c.250A>G, p.Thr84Ala (NM_001001890.3, NM_001122607.2); short protein forms T111A, T84A.
Identifiers: ClinVar variation 532671 (VCV000532671.10), dbSNP rs1555899722, ClinGen allele CA410203415.